The following is an entry in ClinVar:

NM_019842.4(KCNQ5):c.1577+8A>T

Gene: KCNQ5 (potassium voltage-gated channel subfamily Q member 5; plus strand). Cytogenetic location: 6q13.
Variant type: single nucleotide variant.
Coding change: c.1577+8A>T on transcript NM_019842.4 (MANE Select); 8 bases into the intron after coding-DNA position 1577, A replaced by T.
Molecular consequence: intron variant.
Genome position (GRCh38, 1-based): chr6:73,169,862, A>T. VCF-style: chr6-73169862-A-T. GRCh37 (hg19) VCF-style: chr6-73879585-A-T.
Other names: c.1634+8A>T (NM_001160133.2); c.1248-20711A>T (NM_001160134.2); c.1607+8A>T (NM_001160132.2); c.1550+8A>T (NM_001160130.2).
Identifiers: ClinVar variation 1695161 (VCV001695161.31), dbSNP rs2150503672, ClinGen allele CA450878931.
Genomic context (GRCh38, chr6:73,169,862, plus strand): 5'-GTATCAGTGGAAGACCTCACCCCACCACTTAAAACTGTCATTCGAGCTATCAGGTTGGTG[A>T]AAATCTTGAACAACGTGATTCAGAGACATACTTATGATTAATTGAATTACTATGTTGCTA-3'

ClinVar aggregate classification (germline): Uncertain significance (1 of 4 stars; one submission).

Submission:

CeGaT Center for Human Genetics Tuebingen
Classification: Uncertain significance. Last evaluated: 2022-06-01. Review status: criteria provided, single submitter. Criteria: CeGaT Center For Human Genetics Tuebingen Variant Classification Criteria Version 2. Collection method: clinical testing. Allele origin: germline. Affected: yes. Observed: 1 variant allele.
Comment: KCNQ5: PM2, BP4